The following is an entry in ClinVar:

ClinVar aggregate classification (germline): Uncertain significance. Review status: criteria provided, multiple submitters, no conflicts (2 of 4 stars). 2 submissions from 2 submitters: Uncertain significance (2). Last evaluated 2022-07-04.

Conditions:
Very long chain acyl-CoA dehydrogenase deficiency (ACADVLD). Also called: Very Long-Chain Acyl-Coenzyme A Dehydrogenase Deficiency; VLCAD Deficiency. Identifiers: Orphanet 26793, MedGen C3887523, MONDO:0008723, OMIM 201475.

Allele frequency attached by ClinVar (database versions not stated): gnomAD exomes below 0.00001.

Submissions (2):

Labcorp Genetics (formerly Invitae), Labcorp
Classification: Uncertain significance for Very long chain acyl-CoA dehydrogenase deficiency. Last evaluated: 2022-07-04. Review status: criteria provided, single submitter. Criteria: Invitae Variant Classification Sherloc (09022015). Collection method: clinical testing. Allele origin: germline.
Comment: This sequence change replaces glutamic acid, which is acidic and polar, with valine, which is neutral and non-polar, at codon 548 of the ACADVL protein (p.Glu548Val). This variant is not present in population databases (gnomAD no frequency). This variant has not been reported in the literature in individuals affected with ACADVL-related conditions. ClinVar contains an entry for this variant (Variation ID: 932812). Algorithms developed to predict the effect of missense changes on protein structure and function are either unavailable or do not agree on the potential impact of this missense change (SIFT: "Deleterious"; PolyPhen-2: "Possibly Damaging"; Align-GVGD: "Class C0"). In summary, the available evidence is currently insufficient to determine the role of this variant in disease. Therefore, it has been classified as a Variant of Uncertain Significance.

Wong Mito Lab, Molecular and Human Genetics, Baylor College of Medicine
Classification: Uncertain significance for Very long chain acyl-CoA dehydrogenase deficiency. Last evaluated: 2019-11-01. Review status: criteria provided, single submitter. Criteria: ACMG Guidelines, 2015. Collection method: clinical testing. Allele origin: germline.
Comment: The NM_000018.3:c.1643A>T (NP_000009.1:p.Glu548Val) [GRCH38: NC_000017.11:g.7224517A>T] variant in ACADVL gene is interpretated to be Uncertain Significance based on ACMG guidelines (PMID: 25741868). This variant has been reported. This variant dose not meet any evidence codes reported in the ACMG guidelines.

NM_000018.4(ACADVL):c.1643A>T (p.Glu548Val)

Gene: ACADVL (acyl-CoA dehydrogenase very long chain; plus strand). Cytogenetic location: 17p13.1.
Variant type: single nucleotide variant.
Coding change: c.1643A>T on transcript NM_000018.4 (MANE Select); coding-DNA position 1643, A replaced by T.
Protein change: p.Glu548Val; replaces glutamic acid 548 with valine.
Molecular consequence: missense variant.
Genome position (GRCh38, 1-based): chr17:7,224,517, A>T. VCF-style: chr17-7224517-A-T. GRCh37 (hg19) VCF-style: chr17-7127836-A-T.
Other names: c.1577A>T, p.Glu526Val (NM_001033859.3); c.1712A>T, p.Glu571Val (NM_001270447.2); c.1415A>T, p.Glu472Val (NM_001270448.2); short protein forms E472V, E526V, E548V, E571V.
Identifiers: ClinVar variation 932812 (VCV000932812.4), dbSNP rs2071384243, ClinGen allele CA397725551.